The following is an entry in ClinVar:

ClinVar aggregate classification (germline): Uncertain significance. Review status: criteria provided, multiple submitters, no conflicts (2 of 4 stars). 2 submissions from 2 submitters: Uncertain significance (2). Last evaluated 2024-01-08.

Conditions:
Generalized epilepsy-paroxysmal dyskinesia syndrome (PNKD3). Also called: Paroxysmal nonkinesigenic dyskinesia, 3, with or without generalized epilepsy; Generalized epilepsy and paroxysmal dyskinesia. Identifiers: Orphanet 79137, MedGen C5574945, MONDO:0012276, OMIM 609446.

Allele frequency attached by ClinVar (database versions not stated): gnomAD exomes below 0.00001; TOPMed below 0.00001.
gnomAD v4.1: 16 of 1,614,108 alleles (0.00099%); highest among the groups gnomAD compares: Non-Finnish European, 0.0013%; no homozygotes.

Submissions (2):

Labcorp Genetics (formerly Invitae), Labcorp
Classification: Uncertain significance for Generalized epilepsy-paroxysmal dyskinesia syndrome. Last evaluated: 2024-01-08. Review status: criteria provided, single submitter. Criteria: Invitae Variant Classification Sherloc (09022015). Collection method: clinical testing. Allele origin: germline.
Comment: This sequence change replaces arginine, which is basic and polar, with glycine, which is neutral and non-polar, at codon 1164 of the KCNMA1 protein (p.Arg1164Gly). This variant is present in population databases (rs199766376, gnomAD 0.0009%). This variant has not been reported in the literature in individuals affected with KCNMA1-related conditions. ClinVar contains an entry for this variant (Variation ID: 1203328). An algorithm developed to predict the effect of missense changes on protein structure and function (PolyPhen-2) suggests that this variant is likely to be disruptive. In summary, the available evidence is currently insufficient to determine the role of this variant in disease. Therefore, it has been classified as a Variant of Uncertain Significance.

GeneDx
Classification: Uncertain significance. Last evaluated: 2023-05-15. Review status: criteria provided, single submitter. Criteria: GeneDx Variant Classification Process June 2021. Collection method: clinical testing. Allele origin: germline. Affected: yes.
Comment: Not observed at significant frequency in large population cohorts (gnomAD); In silico analysis supports that this missense variant does not alter protein structure/function; Has not been previously published as pathogenic or benign to our knowledge

NM_001161352.2(KCNMA1):c.3664A>G (p.Arg1222Gly)

Gene: KCNMA1 (potassium calcium-activated channel subfamily M alpha 1; minus strand). Cytogenetic location: 10q22.3.
Variant type: single nucleotide variant.
Coding change: c.3664A>G on transcript NM_001161352.2 (MANE Select); coding-DNA position 3664, A replaced by G.
Protein change: p.Arg1222Gly; replaces arginine 1222 with glycine.
Molecular consequence: missense variant.
Genome position (GRCh38, 1-based): chr10:76,887,313, T>C on the plus strand (A>G on the coding strand, the complement: KCNMA1 is on the minus strand). VCF-style: chr10-76887313-T-C. GRCh37 (hg19) VCF-style: chr10-78647071-T-C.
Other names: c.3502A>G, p.Arg1168Gly (NM_001014797.3); c.3613A>G, p.Arg1205Gly (NM_001161353.2); c.3340A>G, p.Arg1114Gly (NM_001271518.2); c.3580A>G, p.Arg1194Gly (NM_001271519.2); c.3499A>G, p.Arg1167Gly (NM_001322829.2, NM_001322836.2); c.3592A>G, p.Arg1198Gly (NM_001322830.2); c.3490A>G, p.Arg1164Gly (NM_001322832.2, NM_002247.4); c.3583A>G, p.Arg1195Gly (NM_001322835.2, NM_001322837.2); and 1 more; short protein forms R1013G, R1114G, R1164G, R1167G, R1168G, R1194G, R1195G, R1198G.
Identifiers: ClinVar variation 1203328 (VCV001203328.7), dbSNP rs199766376, ClinGen allele CA210076457.